The following is an entry in ClinVar:

ClinVar aggregate classification (germline): Uncertain significance (1 of 4 stars; one submission).

gnomAD v4.1: 17 of 1,613,796 alleles (0.0011%); highest among the groups gnomAD compares: Non-Finnish European, 0.0011%; no homozygotes.

Submission:

GeneDx
Classification: Uncertain significance. Last evaluated: 2025-05-14. Review status: criteria provided, single submitter. Criteria: GeneDx Variant Classification Process June 2021. Collection method: clinical testing. Allele origin: germline. Affected: yes.
Comment: In silico analysis suggests that this missense variant does not alter protein structure/function; Not observed at significant frequency in large population cohorts (gnomAD); This variant is associated with the following publications: (PMID: 29681510)

NM_006060.6(IKZF1):c.1375A>G (p.Met459Val)

Gene: IKZF1 (IKAROS family zinc finger 1; plus strand). Cytogenetic location: 7p12.2.
Variant type: single nucleotide variant.
Coding change: c.1375A>G on transcript NM_006060.6 (MANE Select); coding-DNA position 1375, A replaced by G.
Protein change: p.Met459Val; replaces methionine 459 with valine.
Molecular consequence: missense variant.
Genome position (GRCh38, 1-based): chr7:50,400,442, A>G. VCF-style: chr7-50400442-A-G. GRCh37 (hg19) VCF-style: chr7-50468140-A-G.
Other names: c.685A>G, p.Met229Val (NM_001291840.1); c.946A>G, p.Met316Val (NM_001291841.1, NM_001220771.2); c.916A>G, p.Met306Val (NM_001291842.1); c.820A>G, p.Met274Val (NM_001291843.1); c.790A>G, p.Met264Val (NM_001291844.1); c.1435A>G, p.Met479Val (NM_001410879.1); c.1249A>G, p.Met417Val (NM_001220765.3, NM_001291837.2); c.1084A>G, p.Met362Val (NM_001220767.2); and 3 more; short protein forms M229V, M264V, M274V, M306V, M316V, M320V, M330V, M362V.
Identifiers: ClinVar variation 4529667 (VCV004529667.1).